The following is an entry in ClinVar:

ClinVar aggregate classification (germline): Uncertain significance (1 of 4 stars; one submission).

Submission:

Ambry Genetics
Classification: Uncertain significance. Last evaluated: 2022-05-30. Review status: criteria provided, single submitter. Criteria: Ambry Variant Classification Scheme 2023. Collection method: clinical testing. Allele origin: germline.
Comment: The p.P1537S variant (also known as c.4609C>T), located in coding exon 4 of the ALPK2 gene, results from a C to T substitution at nucleotide position 4609. The proline at codon 1537 is replaced by serine, an amino acid with similar properties. This amino acid position is conserved. In addition, this alteration is predicted to be tolerated by in silico analysis. Since supporting evidence is limited at this time, the clinical significance of this alteration remains unclear.

NM_052947.4(ALPK2):c.4609C>T (p.Pro1537Ser)

Genes: ALPK2 (alpha kinase 2; minus strand), LOC126862764 (BRD4-independent group 4 enhancer GRCh37_chr18:56202574-56203773; plus strand). Cytogenetic location: 18q21.31.
Variant type: single nucleotide variant.
Coding change: c.4609C>T on transcript NM_052947.4 (MANE Select); coding-DNA position 4609, C replaced by T.
Protein change: p.Pro1537Ser; replaces proline 1537 with serine.
Molecular consequence: missense variant.
Genome position (GRCh38, 1-based): chr18:58,535,578, G>A on the plus strand (C>T on the coding strand, the complement: ALPK2 is on the minus strand). VCF-style: chr18-58535578-G-A. GRCh37 (hg19) VCF-style: chr18-56202810-G-A.
Other names: short protein forms P1537S.
Identifiers: ClinVar variation 1741859 (VCV001741859.2), dbSNP rs2518874441, ClinGen allele CA402561014.